The following is an entry in ClinVar:

NM_020937.4(FANCM):c.1961G>A (p.Arg654Gln)

Gene: FANCM (FA complementation group M; plus strand). Cytogenetic location: 14q21.2.
Variant type: single nucleotide variant.
Coding change: c.1961G>A on transcript NM_020937.4 (MANE Select); coding-DNA position 1961, G replaced by A.
Protein change: p.Arg654Gln; replaces arginine 654 with glutamine.
Molecular consequence: missense variant.
Genome position (GRCh38, 1-based): chr14:45,167,122, G>A. VCF-style: chr14-45167122-G-A. GRCh37 (hg19) VCF-style: chr14-45636325-G-A.
Other names: c.1883G>A, p.Arg628Gln (NM_001308133.2); c.1961G>A, p.Arg654Gln (NM_001308134.2); short protein forms R628Q, R654Q.
Identifiers: ClinVar variation 1312576 (VCV001312576.4), dbSNP rs920568505, ClinGen allele CA259624200.

ClinVar aggregate classification (germline): Uncertain significance. Review status: criteria provided, multiple submitters, no conflicts (2 of 4 stars). 3 submissions from 3 submitters: Uncertain significance (3). Last evaluated 2025-03-09.

Conditions:
Inborn genetic diseases. Identifiers: MedGen C0950123, MeSH D030342.

Allele frequency attached by ClinVar (database versions not stated): gnomAD exomes below 0.00001 and 0.00001.
gnomAD v4.1: 6 of 1,613,622 alleles (0.00037%); highest among the groups gnomAD compares: Admixed American, 0.0033%; no homozygotes.

Submissions (3):

Ambry Genetics
Classification: Uncertain significance for Inborn genetic diseases. Last evaluated: 2025-03-09. Review status: criteria provided, single submitter. Criteria: Ambry Variant Classification Scheme 2023. Collection method: clinical testing. Allele origin: germline.
Comment: The p.R654Q variant (also known as c.1961G>A), located in coding exon 11 of the FANCM gene, results from a G to A substitution at nucleotide position 1961. The arginine at codon 654 is replaced by glutamine, an amino acid with highly similar properties. This amino acid position is conserved. In addition, this alteration is predicted to be tolerated by in silico analysis. Based on the available evidence, the clinical significance of this variant remains unclear.

Blueprint Genetics
Classification: Uncertain significance. Last evaluated: 2024-09-02. Review status: criteria provided, single submitter. Criteria: ACMG Guidelines, 2015. Collection method: clinical testing. Allele origin: germline.

GeneDx
Classification: Uncertain significance. Last evaluated: 2020-03-06. Review status: criteria provided, single submitter. Criteria: GeneDx Variant Classification Process June 2021. Collection method: clinical testing. Allele origin: germline. Affected: yes.
Comment: Has not been previously published as pathogenic or benign to our knowledge; In silico analysis supports that this missense variant does not alter protein structure/function